The following is an entry in ClinVar:

ClinVar aggregate classification (germline): Pathogenic/Likely pathogenic. Review status: criteria provided, multiple submitters, no conflicts (2 of 4 stars). 2 submissions from 2 submitters: Pathogenic (1); Likely pathogenic (1). Last evaluated 2025-10-23.

Conditions:
Pyruvate carboxylase deficiency. Also called: LEIGH NECROTIZING ENCEPHALOPATHY DUE TO PYRUVATE CARBOXYLASE DEFICIENCY; LEIGH SYNDROME DUE TO PYRUVATE CARBOXYLASE DEFICIENCY; PC DEFICIENCY; Pyruvate Carboxylase Deficiency Disease; ATAXIA WITH LACTIC ACIDOSIS II. Identifiers: Orphanet 3008, MedGen C0034341, MONDO:0009949, OMIM 266150.

Allele frequency attached by ClinVar (database versions not stated): TOPMed below 0.00001.
gnomAD v4.1: 8 of 1,613,830 alleles (0.0005%); highest among the groups gnomAD compares: South Asian, 0.0011%; no homozygotes.

Submissions (2):

Labcorp Genetics (formerly Invitae), Labcorp
Classification: Pathogenic for Pyruvate carboxylase deficiency. Last evaluated: 2025-10-23. Review status: criteria provided, single submitter. Criteria: Invitae Variant Classification Sherloc (09022015). Collection method: clinical testing. Allele origin: germline.
Comment: This sequence change creates a premature translational stop signal (p.Arg547*) in the PC gene. It is expected to result in an absent or disrupted protein product. Loss-of-function variants in PC are known to be pathogenic (PMID: 12112657, 19306334). This variant is not present in population databases (gnomAD no frequency). This variant has not been reported in the literature in individuals affected with PC-related conditions. ClinVar contains an entry for this variant (Variation ID: 2172239). For these reasons, this variant has been classified as Pathogenic.

Baylor Genetics
Classification: Likely pathogenic for Pyruvate carboxylase deficiency. Last evaluated: 2023-04-15. Review status: criteria provided, single submitter. Criteria: ACMG Guidelines, 2015. Collection method: clinical testing. Allele origin: unknown.

Literature cited by the submitters: PubMed 12112657 (cited by Labcorp Genetics (formerly Invitae), Labcorp); PubMed 19306334 (cited by Labcorp Genetics (formerly Invitae), Labcorp).

NM_001040716.2(PC):c.1639C>T (p.Arg547Ter)

Gene: PC (pyruvate carboxylase; minus strand). Cytogenetic location: 11q13.2.
Variant type: single nucleotide variant.
Coding change: c.1639C>T on transcript NM_001040716.2 (MANE Select); coding-DNA position 1639, C replaced by T.
Protein change: p.Arg547Ter; replaces arginine 547 with a stop codon.
Molecular consequence: nonsense.
Genome position (GRCh38, 1-based): chr11:66,852,625, G>A on the plus strand (C>T on the coding strand, the complement: PC is on the minus strand). VCF-style: chr11-66852625-G-A. GRCh37 (hg19) VCF-style: chr11-66620096-G-A.
Other names: c.1639C>T, p.Arg547Ter (NM_000920.4, NM_022172.3); short protein forms R547*.
Identifiers: ClinVar variation 2172239 (VCV002172239.5), dbSNP rs1415973565, ClinGen allele CA381495508.
Genomic context (GRCh38, chr11:66,852,625, plus strand): 5'-CCATCAGCAGCAGCCCCGGGTGGTTCCGCACAGCTCGAGCAAAGCCCTCAGGCCCCTCTC[G>A]CAGCAGGATGTCTCTGAAACCAGCCGGGGGCGGGCCTAGGGTAGACAGGGGCATTGGTGC-3'